The following is an entry in ClinVar:

NC_000002.11:g.(?_202131210)_(202151317_?)del

Gene: CASP8 (caspase 8; plus strand). Cytogenetic location: 2q33.1.
Variant type: Deletion.
Identifiers: ClinVar variation 3247245 (VCV003247245.1).

ClinVar aggregate classification (germline): Pathogenic (1 of 4 stars; one submission).

Conditions:
Autoimmune lymphoproliferative syndrome type 2B. Also called: AUTOIMMUNE LYMPHOPROLIFERATIVE SYNDROME, TYPE IIB. Identifiers: Orphanet 275517, MedGen C1846545, MONDO:0011804, OMIM 607271.

Submission:

Labcorp Genetics (formerly Invitae), Labcorp
Classification: Pathogenic for Autoimmune lymphoproliferative syndrome type 2B. Last evaluated: 2023-08-02. Review status: criteria provided, single submitter. Criteria: Invitae Variant Classification Sherloc (09022015). Collection method: clinical testing. Allele origin: unknown.
Comment: This variant has not been reported in the literature in individuals affected with CASP8-related conditions. For these reasons, this variant has been classified as Pathogenic. A gross deletion of the genomic region encompassing the full coding sequence of the CASP8 gene has been identified. Loss-of-function variants in CASP8 are known to be pathogenic (PMID: 12353035, 25814141). The boundaries of this event are unknown as they extend beyond the assayed region for this gene and therefore may encompass additional genes.

Literature cited by the submitters: PubMed 12353035; PubMed 25814141.